The following is an entry in ClinVar:

NC_012920.1(MT-CO2):m.7718A>G

Gene: MT-CO2 (mitochondrially encoded cytochrome c oxidase II; plus strand).
Variant type: single nucleotide variant.
Genome position: chrM-7718-A-G.
Identifiers: ClinVar variation 692766 (VCV000692766.1), dbSNP rs1556423337, ClinGen allele CA414793436.

ClinVar aggregate classification (germline): Uncertain significance (1 of 4 stars; one submission).

Conditions:
Leigh syndrome (NULS). Also called: Leigh's necrotizing encephalopathy; Leigh's disease; Leigh Syndrome (mtDNA deletion); Leigh Disease; Subacute necrotizing encephalopathy; Necrotizing encephalopathy infantile subacute of Leigh. Identifiers: Orphanet 506, MedGen C2931891, MONDO:0009723, OMIM 256000.

Submission:

Wong Mito Lab, Molecular and Human Genetics, Baylor College of Medicine
Classification: Uncertain significance for Leigh syndrome. Last evaluated: 2019-10-17. Review status: criteria provided, single submitter. Criteria: Modified ACMG Guidelines (Unpublished). Collection method: clinical testing. Allele origin: germline.
Comment: The NC_012920.1:m.7718A>G (YP_003024029.1:p.Thr45Ala) variant in MTCO2 gene is interpretated to be a Uncertain Significance variant based on the modified ACMG guidelines (unpublished). This variant meets the following evidence codes: BP4